The following is an entry in ClinVar:

NM_001164586.2(IGFN1):c.5031T>C (p.Asn1677=)

Gene: IGFN1 (immunoglobulin like and fibronectin type III domain containing 1; plus strand). Cytogenetic location: 1q32.1.
Variant type: single nucleotide variant.
Coding change: c.5031T>C on transcript NM_001164586.2 (MANE Select); coding-DNA position 5031, T replaced by C.
Protein change: p.Asn1677=; no amino-acid change (asparagine 1677 retained).
Molecular consequence: synonymous variant. On other transcripts: intron variant (1).
Genome position (GRCh38, 1-based): chr1:201,209,924, T>C. VCF-style: chr1-201209924-T-C. GRCh37 (hg19) VCF-style: chr1-201179052-T-C.
Other names: c.1242-3582T>C (NM_001367841.1).
Identifiers: ClinVar variation 3898310 (VCV003898310.7).

ClinVar aggregate classification (germline): Likely benign (1 of 4 stars; one submission).

Submission:

CeGaT Center for Human Genetics Tuebingen
Classification: Likely benign. Last evaluated: 2026-06-01. Review status: criteria provided, single submitter. Criteria: CeGaT Center For Human Genetics Tuebingen Variant Classification Criteria Version 2. Collection method: clinical testing. Allele origin: germline. Affected: yes. Observed: 5 variant alleles.
Comment: IGFN1: BP4, BP7